The following is an entry in ClinVar:

NM_001040142.2(SCN2A):c.4447-2_4449del

Gene: SCN2A (sodium voltage-gated channel alpha subunit 2; plus strand). Cytogenetic location: 2q24.3.
Variant type: Deletion.
Coding change: c.4447-2_4449del on transcript NM_001040142.2 (MANE Select); the canonical splice acceptor site of the intron before coding-DNA position 4447 through coding-DNA position 4449, 5 bases deleted (ACTTT; older notation c.4447-2_4449delACTTT).
Molecular consequence: splice acceptor variant.
Genome position (GRCh38, 1-based): chr2:165,381,091-165,381,095, ACTTT deleted; deleting any 5 consecutive bases within chr2:165,381,087-165,381,095 gives the same sequence; the c. name uses the placement nearest the transcript's 3' end. VCF-style (leftmost placement, unchanged base first): chr2-165381086-TCTTTA-T. GRCh37 (hg19) VCF-style: chr2-166237596-TCTTTA-T.
Other names: c.4447-2_4449del (NM_001040143.2, NM_001371246.1, NM_001371247.1 and 1 more transcripts).
Identifiers: ClinVar variation 3756725 (VCV003756725.2).

ClinVar aggregate classification (germline): Likely pathogenic (1 of 4 stars; one submission).

Conditions:
Developmental and epileptic encephalopathy, 11 (DEE11). Also called: Early infantile epileptic encephalopathy 11. Identifiers: Orphanet 1934, MedGen C3150987, MONDO:0013388, OMIM 613721.
Seizures, benign familial infantile, 3 (BFIS3). Also called: CONVULSIONS, BENIGN FAMILIAL INFANTILE, 3; Familial neonatal seizures. Identifiers: Orphanet 140927, Orphanet 306, MedGen C1843140, MONDO:0011904, OMIM 607745.

Submission:

Labcorp Genetics (formerly Invitae), Labcorp
Classification: Likely pathogenic for Seizures, benign familial infantile, 3; Developmental and epileptic encephalopathy, 11. Last evaluated: 2024-06-07. Review status: criteria provided, single submitter. Criteria: Invitae Variant Classification Sherloc (09022015). Collection method: clinical testing. Allele origin: germline.
Comment: This variant results in the deletion of part of exon 25 (c.4447-2_4449del) of the SCN2A gene. It is expected to disrupt RNA splicing. Variants that disrupt the donor or acceptor splice site typically lead to a loss of protein function (PMID: 16199547), and loss-of-function variants in SCN2A are known to be pathogenic (PMID: 28379373). This variant is not present in population databases (gnomAD no frequency). This variant has not been reported in the literature in individuals affected with SCN2A-related conditions. In summary, the currently available evidence indicates that the variant is pathogenic, but additional data are needed to prove that conclusively. Therefore, this variant has been classified as Likely Pathogenic.

Literature cited by the submitters: PubMed 16199547; PubMed 28379373.